The following is an entry in ClinVar:

NM_000257.4(MYH7):c.3336+6G>T

Gene: MYH7 (myosin heavy chain 7; minus strand). Cytogenetic location: 14q11.2.
Variant type: single nucleotide variant.
Coding change: c.3336+6G>T on transcript NM_000257.4 (MANE Select); 6 bases into the intron after coding-DNA position 3336, G replaced by T.
Molecular consequence: intron variant.
Genome position (GRCh38, 1-based): chr14:23,420,952, C>A on the plus strand (G>T on the coding strand, the complement: MYH7 is on the minus strand). VCF-style: chr14-23420952-C-A. GRCh37 (hg19) VCF-style: chr14-23890161-C-A.
Other names: c.3336+6G>T (NM_001407004.1).
Identifiers: ClinVar variation 2962316 (VCV002962316.3), dbSNP rs751198296, ClinGen allele CA2740097717.
Genomic context (GRCh38, chr14:23,420,952, plus strand): 5'-GGAGGGGGCAGGGGAAACAGAACCAGCCCAGGGACTCAGCATCCCGCGTGGGTGTCCAGA[C>A]CTCACCTGAAGCTCCTTGAGCTTCTTCTGCAGCTGGCTGCCGAGGGCCTGTTCATCCTCA-3'

ClinVar aggregate classification (germline): Uncertain significance (1 of 4 stars; one submission).

Conditions:
Hypertrophic cardiomyopathy. Also called: HYPERTROPHIC MYOCARDIOPATHY. Identifiers: Orphanet 217569, MedGen C0007194, MeSH D002312, MONDO:0005045, HP:0001639.

Submission:

Labcorp Genetics (formerly Invitae), Labcorp
Classification: Uncertain significance for Hypertrophic cardiomyopathy. Last evaluated: 2023-11-02. Review status: criteria provided, single submitter. Criteria: Invitae Variant Classification Sherloc (09022015). Collection method: clinical testing. Allele origin: germline.
Comment: This sequence change falls in intron 26 of the MYH7 gene. It does not directly change the encoded amino acid sequence of the MYH7 protein. It affects a nucleotide within the consensus splice site. This variant is not present in population databases (gnomAD no frequency). This variant has not been reported in the literature in individuals affected with MYH7-related conditions. Variants that disrupt the consensus splice site are a relatively common cause of aberrant splicing (PMID: 17576681, 9536098). Algorithms developed to predict the effect of sequence changes on RNA splicing suggest that this variant is not likely to affect RNA splicing. In summary, the available evidence is currently insufficient to determine the role of this variant in disease. Therefore, it has been classified as a Variant of Uncertain Significance.

Literature cited by the submitters: PubMed 17576681; PubMed 9536098.